The following is an entry in ClinVar:

ClinVar aggregate classification (germline): Likely pathogenic (1 of 4 stars; one submission).

Submission:

Labcorp Genetics (formerly Invitae), Labcorp
Classification: Likely pathogenic. Last evaluated: 2021-12-24. Review status: criteria provided, single submitter. Criteria: Invitae Variant Classification Sherloc (09022015). Collection method: clinical testing. Allele origin: germline.
Comment: In summary, the currently available evidence indicates that the variant is pathogenic, but additional data are needed to prove that conclusively. Therefore, this variant has been classified as Likely Pathogenic. This variant disrupts the triple helix domain of COL4A1. Glycine residues within the Gly-Xaa-Yaa repeats of the triple helix domain are required for the structure and stability of fibrillar collagens (PMID: 7695699, 8218237, 19344236). In COL4A1 variants affecting these glycine residues are significantly enriched in individuals with disease (PMID: 9016532, 17078022) compared to the general population (ExAC). Algorithms developed to predict the effect of missense changes on protein structure and function are either unavailable or do not agree on the potential impact of this missense change (SIFT: "Deleterious"; PolyPhen-2: "Benign"; Align-GVGD: "Class C65"). This variant has not been reported in the literature in individuals affected with COL4A1-related conditions. This variant is not present in population databases (gnomAD no frequency). This sequence change replaces glycine, which is neutral and non-polar, with arginine, which is basic and polar, at codon 550 of the COL4A1 protein (p.Gly550Arg).

Literature cited by the submitters: PubMed 7695699; PubMed 8218237; PubMed 19344236; PubMed 9016532; PubMed 17078022.

NM_001845.6(COL4A1):c.1648G>C (p.Gly550Arg)

Gene: COL4A1 (collagen type IV alpha 1 chain; minus strand). Cytogenetic location: 13q34.
Variant type: single nucleotide variant.
Coding change: c.1648G>C on transcript NM_001845.6 (MANE Select); coding-DNA position 1648, G replaced by C.
Protein change: p.Gly550Arg; replaces glycine 550 with arginine.
Molecular consequence: missense variant.
Genome position (GRCh38, 1-based): chr13:110,187,218, C>G on the plus strand (G>C on the coding strand, the complement: COL4A1 is on the minus strand). VCF-style: chr13-110187218-C-G. GRCh37 (hg19) VCF-style: chr13-110839565-C-G.
Other names: short protein forms G550R.
Identifiers: ClinVar variation 1496532 (VCV001496532.6), dbSNP rs2139173980, ClinGen allele CA388723009.